The following is an entry in ClinVar:

NM_003380.5(VIM):c.227G>T (p.Gly76Val)

Genes: VIM (vimentin; plus strand), VIM-AS1 (VIM antisense RNA 1; minus strand), LOC130003452 (ATAC-STARR-seq lymphoblastoid active region 3108; plus strand). Cytogenetic location: 10p13.
Variant type: single nucleotide variant.
Coding change: c.227G>T on transcript NM_003380.5 (MANE Select); coding-DNA position 227, G replaced by T.
Protein change: p.Gly76Val; replaces glycine 76 with valine.
Molecular consequence: missense variant. On other transcripts: non-coding transcript variant (1).
Genome position (GRCh38, 1-based): chr10:17,229,649, G>T. VCF-style: chr10-17229649-G-T. GRCh37 (hg19) VCF-style: chr10-17271648-G-T.
Other names: short protein forms G76V.
Identifiers: ClinVar variation 4808532 (VCV004808532.1).

ClinVar aggregate classification (germline): Uncertain significance (1 of 4 stars; one submission).

Conditions:
Cataract 30 (CTRCT30). Also called: CATARACT 30, PULVERULENT. Identifiers: Orphanet 91492, Orphanet 98984, Orphanet 98992, MedGen C3805411, MONDO:0007286, OMIM 116300.

Submission:

Labcorp Genetics (formerly Invitae), Labcorp
Classification: Uncertain significance for Cataract 30. Last evaluated: 2025-06-07. Review status: criteria provided, single submitter. Criteria: Invitae Variant Classification Sherloc (09022015). Collection method: clinical testing. Allele origin: germline.
Comment: This sequence change replaces glycine, which is neutral and non-polar, with valine, which is neutral and non-polar, at codon 76 of the VIM protein (p.Gly76Val). This variant is not present in population databases (gnomAD no frequency). This variant has not been reported in the literature in individuals affected with VIM-related conditions. Invitae Evidence Modeling of protein sequence and biophysical properties (such as structural, functional, and spatial information, amino acid conservation, physicochemical variation, residue mobility, and thermodynamic stability) indicates that this missense variant is not expected to disrupt VIM protein function with a negative predictive value of 80%. In summary, the available evidence is currently insufficient to determine the role of this variant in disease. Therefore, it has been classified as a Variant of Uncertain Significance.